The following is an entry in ClinVar:

ClinVar aggregate classification (germline): Uncertain significance (1 of 4 stars; one submission).

Submission:

Labcorp Genetics (formerly Invitae), Labcorp
Classification: Uncertain significance. Last evaluated: 2025-04-13. Review status: criteria provided, single submitter. Criteria: Invitae Variant Classification Sherloc (09022015). Collection method: clinical testing. Allele origin: germline.
Comment: This sequence change replaces histidine, which is basic and polar, with tyrosine, which is neutral and polar, at codon 681 of the LZTR1 protein (p.His681Tyr). This variant is not present in population databases (gnomAD no frequency). This variant has not been reported in the literature in individuals affected with LZTR1-related conditions. Invitae Evidence Modeling of protein sequence and biophysical properties (such as structural, functional, and spatial information, amino acid conservation, physicochemical variation, residue mobility, and thermodynamic stability) indicates that this missense variant is not expected to disrupt LZTR1 protein function with a negative predictive value of 80%. In summary, the available evidence is currently insufficient to determine the role of this variant in disease. Therefore, it has been classified as a Variant of Uncertain Significance.

NM_006767.4(LZTR1):c.2041C>T (p.His681Tyr)

Gene: LZTR1 (leucine zipper like post translational regulator 1; plus strand). Cytogenetic location: 22q11.21.
Variant type: single nucleotide variant.
Coding change: c.2041C>T on transcript NM_006767.4 (MANE Select); coding-DNA position 2041, C replaced by T.
Protein change: p.His681Tyr; replaces histidine 681 with tyrosine.
Molecular consequence: missense variant.
Genome position (GRCh38, 1-based): chr22:20,995,844, C>T. VCF-style: chr22-20995844-C-T. GRCh37 (hg19) VCF-style: chr22-21350133-C-T.
Other names: short protein forms H681Y.
Identifiers: ClinVar variation 4694178 (VCV004694178.1).